The following is an entry in ClinVar:

NM_002878.4(RAD51D):c.264-14del

Genes: RAD51L3-RFFL (RAD51L3-RFFL readthrough; minus strand), RAD51D (RAD51 paralog D; minus strand). Cytogenetic location: 17q12.
Variant type: Deletion.
Coding change: c.264-14del on transcript NM_002878.4 (MANE Select); 14 bases into the intron before coding-DNA position 264, one base deleted (T; older notation c.264-14delT).
Molecular consequence: intron variant.
Genome position (GRCh38, 1-based): chr17:35,107,461, A deleted on the plus strand (T on the coding strand, the reverse complement: RAD51D is on the minus strand). VCF-style (leftmost placement, unchanged base first): chr17-35107460-GA-G. GRCh37 (hg19) VCF-style: chr17-33434479-GA-G.
Other names: c.145-980del (NM_133629.3); c.324-14del (NM_001142571.2); c.264-14delT (NM_002878.3).
Identifiers: ClinVar variation 420217 (VCV000420217.12), dbSNP rs757481281, ClinGen allele CA8499530.

ClinVar aggregate classification (germline): Likely benign. Review status: criteria provided, multiple submitters, no conflicts (2 of 4 stars). 5 submissions from 5 submitters: Likely benign (4). 1 of the submissions does not count toward it. Last evaluated 2026-01-28.

Conditions:
Breast-ovarian cancer, familial, susceptibility to, 4. Identifiers: Orphanet 145, MedGen C3280345, MONDO:0013669, OMIM 614291.
Hereditary cancer-predisposing syndrome. Also called: Hereditary neoplastic syndrome; Tumor predisposition; Neoplastic Syndromes, Hereditary; Hereditary Cancer Syndrome. Identifiers: Orphanet 140162, MedGen C0027672, MeSH D009386, MONDO:0015356.

Allele frequency attached by ClinVar (database versions not stated): gnomAD exomes 0.00001 and 0.00004; ExAC 0.00007; TOPMed 0.00015; ESP Exome Variant Server 0.00016; gnomAD 0.00018 and 0.00019.

Submissions (5):

Labcorp Genetics (formerly Invitae), Labcorp
Classification: Likely benign for Breast-ovarian cancer, familial, susceptibility to, 4. Last evaluated: 2026-01-28. Review status: criteria provided, single submitter. Criteria: Invitae Variant Classification Sherloc (09022015). Collection method: clinical testing. Allele origin: germline.

Myriad Genetics, Inc.
Classification: Likely benign for Breast-ovarian cancer, familial, susceptibility to, 4. Last evaluated: 2023-04-06. Review status: criteria provided, single submitter. Criteria: Myriad Autosomal Dominant, Autosomal Recessive and X-Linked Classification Criteria (2023). Collection method: clinical testing. Allele origin: unknown.
Comment: This variant is considered likely benign. This variant is intronic and is not expected to impact mRNA splicing.

GeneDx
Classification: Likely benign. Last evaluated: 2017-11-28. Review status: criteria provided, single submitter. Criteria: GeneDx Variant Classification (06012015). Collection method: clinical testing. Allele origin: germline. Affected: yes.
Comment: This variant is considered likely benign or benign based on one or more of the following criteria: it is a conservative change, it occurs at a poorly conserved position in the protein, it is predicted to be benign by multiple in silico algorithms, and/or has population frequency not consistent with disease.

Color Diagnostics, LLC DBA Color Health
Classification: Likely benign for Hereditary cancer-predisposing syndrome. Last evaluated: 2016-04-27. Review status: criteria provided, single submitter. Criteria: ACMG Guidelines, 2015. Collection method: clinical testing. Allele origin: germline.

Counsyl
Classification: Likely benign for Breast-ovarian cancer, familial, susceptibility to, 4. Last evaluated: 2018-05-07. Review status: no assertion criteria provided. Collection method: clinical testing. Allele origin: unknown. Not counted in ClinVar's aggregate classification.